The following is an entry in ClinVar:

ClinVar aggregate classification (germline): Benign/Likely benign. Review status: criteria provided, multiple submitters, no conflicts (2 of 4 stars). 6 submissions from 6 submitters: Benign (4); Likely benign (2). Last evaluated 2026-06-01.

Conditions:
D-2-hydroxyglutaric aciduria 1 (D2HGA1). Identifiers: Orphanet 79315, MedGen C3152055, MONDO:0024554, OMIM 600721.

Allele frequency attached by ClinVar (database versions not stated): gnomAD exomes 0.00098; ExAC 0.00151; gnomAD 0.00297; ESP Exome Variant Server 0.00324; 1000 Genomes Project 0.00339; TOPMed 0.00352; 1000 Genomes Project 30x 0.00375.
gnomAD v4.1: 1,024 of 1,608,282 alleles (0.064%); highest among the groups gnomAD compares: African/African-American, 1%; 4 homozygotes.

Submissions (6):

CeGaT Center for Human Genetics Tuebingen
Classification: Likely benign. Last evaluated: 2026-06-01. Review status: criteria provided, single submitter. Criteria: CeGaT Center For Human Genetics Tuebingen Variant Classification Criteria Version 2. Collection method: clinical testing. Allele origin: germline. Affected: yes. Observed: 1 variant allele.
Comment: D2HGDH: BP4, BP7, BS1

Labcorp Genetics (formerly Invitae), Labcorp
Classification: Benign for D-2-hydroxyglutaric aciduria 1. Last evaluated: 2025-12-25. Review status: criteria provided, single submitter. Criteria: Invitae Variant Classification Sherloc (09022015). Collection method: clinical testing. Allele origin: germline.

Blueprint Genetics
Classification: Likely benign. Last evaluated: 2024-10-18. Review status: criteria provided, single submitter. Criteria: ACMG Guidelines, 2015. Collection method: clinical testing. Allele origin: germline.

Illumina Laboratory Services, Illumina
Classification: Benign for D-2-hydroxyglutaric aciduria 1. Last evaluated: 2018-01-13. Review status: criteria provided, single submitter. Criteria: ICSL Variant Classification Criteria 13 December 2019. Collection method: clinical testing. Allele origin: germline.
Comment: This variant was observed in the ICSL laboratory as part of a predisposition screen in an ostensibly healthy population. It had not been previously curated by ICSL or reported in the Human Gene Mutation Database (HGMD: prior to June 1st, 2018), and was therefore a candidate for classification through an automated scoring system. Utilizing variant allele frequency, disease prevalence and penetrance estimates, and inheritance mode, an automated score was calculated to assess if this variant is too frequent to cause the disease. Based on the score and internal cut-off values, a variant classified as benign is not then subjected to further curation. The score for this variant resulted in a classification of benign for this disease.

Genetic Services Laboratory, University of Chicago
Classification: Benign. Last evaluated: 2017-09-25. Review status: criteria provided, single submitter. Criteria: ACMG Guidelines, 2015. Collection method: clinical testing. Allele origin: germline. Affected: no.

Breakthrough Genomics
Classification: Benign. Review status: criteria provided, single submitter. Criteria: ACMG Guidelines, 2015. Collection method: not provided. Allele origin: germline. Inheritance: Autosomal recessive inheritance. Affected: yes.

NM_152783.5(D2HGDH):c.1476G>A (p.Pro492=)

Gene: D2HGDH (D-2-hydroxyglutarate dehydrogenase; plus strand). Cytogenetic location: 2q37.3.
Variant type: single nucleotide variant.
Coding change: c.1476G>A on transcript NM_152783.5 (MANE Select); coding-DNA position 1476, G replaced by A.
Protein change: p.Pro492=; no amino-acid change (proline 492 retained).
Molecular consequence: synonymous variant. On other transcripts: non-coding transcript variant (1).
Genome position (GRCh38, 1-based): chr2:241,767,879, G>A. VCF-style: chr2-241767879-G-A. GRCh37 (hg19) VCF-style: chr2-242707294-G-A.
Other names: c.1074G>A, p.Pro358= (NM_001287249.2); c.915G>A, p.Pro305= (NM_001352824.2).
Identifiers: ClinVar variation 335321 (VCV000335321.21), dbSNP rs140096524, ClinGen allele CA2222242.